The following is an entry in ClinVar:

ClinVar aggregate classification (germline): Uncertain significance (1 of 4 stars; one submission).

Submission:

Labcorp Genetics (formerly Invitae), Labcorp
Classification: Uncertain significance. Last evaluated: 2022-08-23. Review status: criteria provided, single submitter. Criteria: Invitae Variant Classification Sherloc (09022015). Collection method: clinical testing. Allele origin: germline.
Comment: This sequence change replaces serine, which is neutral and polar, with arginine, which is basic and polar, at codon 127 of the NUP62 protein (p.Ser127Arg). This variant is not present in population databases (gnomAD no frequency). This variant has not been reported in the literature in individuals affected with NUP62-related conditions. Algorithms developed to predict the effect of missense changes on protein structure and function are either unavailable or do not agree on the potential impact of this missense change (SIFT: "Deleterious"; PolyPhen-2: "Possibly Damaging"; Align-GVGD: "Class C0"). In summary, the available evidence is currently insufficient to determine the role of this variant in disease. Therefore, it has been classified as a Variant of Uncertain Significance.

NM_016553.5(NUP62):c.381C>G (p.Ser127Arg)

Genes: IL4I1 (interleukin 4 induced 1; minus strand), NUP62 (nucleoporin 62; minus strand). Cytogenetic location: 19q13.33.
Variant type: single nucleotide variant.
Coding change: c.381C>G on transcript NM_016553.5 (MANE Select); coding-DNA position 381, C replaced by G.
Protein change: p.Ser127Arg; replaces serine 127 with arginine.
Molecular consequence: missense variant. On other transcripts: intron variant (3).
Genome position (GRCh38, 1-based): chr19:49,909,427, G>C on the plus strand (C>G on the coding strand, the complement: NUP62 is on the minus strand). VCF-style: chr19-49909427-G-C. GRCh37 (hg19) VCF-style: chr19-50412684-G-C.
Other names: c.381C>G, p.Ser127Arg (NM_001193357.2, NM_012346.5, NM_153718.4 and 1 more transcripts); c.-227-5106C>G (NM_001258017.2, NM_172374.3); c.-285-5106C>G (NM_001258018.2); short protein forms S127R.
Identifiers: ClinVar variation 2040749 (VCV002040749.4), dbSNP rs964982550, ClinGen allele CA309555340.